The following is an entry in ClinVar:

ClinVar aggregate classification (germline): Uncertain significance (1 of 4 stars; one submission).

Conditions:
Iron-refractory iron deficiency anemia (IRIDA). Also called: PSEUDO-IRON-DEFICIENCY ANEMIA; IRIDA syndrome; IRON-HANDLING DISORDER, HEREDITARY; ANEMIA, HYPOCHROMIC MICROCYTIC, WITH DEFECT IN IRON METABOLISM. Identifiers: Orphanet 209981, MedGen C0085576, MONDO:0008788, OMIM 206200. Disease mechanism: loss of function.

Submission:

Broad Center for Mendelian Genomics, Broad Institute of MIT and Harvard
Classification: Uncertain significance for Iron-refractory iron deficiency anemia. Last evaluated: 2023-05-02. Review status: criteria provided, single submitter. Criteria: ACMG Guidelines, 2015. Collection method: curation. Allele origin: germline. Inheritance: Autosomal recessive inheritance.
Comment: The p.Met615ProfsTer30 variant in TMPRSS6 has not been previously reported in individuals with iron-refractory iron deficiency anemia. Data from large population studies is insufficient to assess the frequency of this variant. This variant is predicted to cause a frameshift, which alters the protein‚Äôs amino acid sequence beginning at position 615 and leads to a premature termination codon 30 amino acids downstream. This alteration is then predicted to lead to a truncated or absent protein. Loss of function of the TMPRSS6 gene is an established disease mechanism autosomal recessive iron-refractory iron deficiency anemia. In summary, while there is some suspicion for a pathogenic role, the clinical significance of this variant is uncertain. ACMG/AMP Criteria applied: PVS1 (Richards 2015).

NM_001374504.1(TMPRSS6):c.1842_1843insCCACC (p.Met615fs)

Gene: TMPRSS6 (transmembrane serine protease 6; minus strand). Cytogenetic location: 22q12.3.
Variant type: Insertion.
Coding change: c.1842_1843insCCACC on transcript NM_001374504.1 (MANE Select); coding-DNA positions 1842 to 1843, CCACC inserted.
Protein change: p.Met615fs; shifts the reading frame from methionine 615.
Molecular consequence: frameshift variant.
Genome position: GRCh38 VCF-style: chr22-37069343-T-TGGTGG. GRCh37 (hg19) VCF-style: chr22-37465383-T-TGGTGG.
Other names: NM_153609.4:c.1842_1843insCCACC; c.1842_1843insCCACC, p.Met615fs (NM_001289000.2, NM_001289001.2, NM_153609.4); short protein forms M615fs.
Identifiers: ClinVar variation 2500890 (VCV002500890.1), dbSNP rs1416004303, ClinGen allele CA639393519.